The following is an entry in ClinVar:

NM_001009944.3(PKD1):c.8087T>C (p.Leu2696Pro)

Gene: PKD1 (polycystin 1, transient receptor potential channel interacting; minus strand). Cytogenetic location: 16p13.3.
Variant type: single nucleotide variant.
Coding change: c.8087T>C on transcript NM_001009944.3 (MANE Select); coding-DNA position 8087, T replaced by C.
Protein change: p.Leu2696Pro; replaces leucine 2696 with proline.
Molecular consequence: missense variant.
Genome position (GRCh38, 1-based): chr16:2,104,572, A>G on the plus strand (T>C on the coding strand, the complement: PKD1 is on the minus strand). VCF-style: chr16-2104572-A-G. GRCh37 (hg19) VCF-style: chr16-2154573-A-G.
Other names: c.8087T>C, p.Leu2696Pro (NM_000296.4); short protein forms L2696P.
Identifiers: ClinVar variation 811954 (VCV000811954.11), dbSNP rs201238819, ClinGen allele CA7830728.

ClinVar aggregate classification (germline): Conflicting classifications of pathogenicity. Review status: criteria provided, conflicting classifications (1 of 4 stars). 4 submissions from 4 submitters: Uncertain significance (2); Likely benign (1). 1 of the submissions does not count toward it. Last evaluated 2026-04-20.

Conditions:
Polycystic kidney disease, adult type (PKD1). Also called: Polycystic Kidney Disease 1, Autosomal Dominant; Polycystic kidney disease 1; Polycystic kidney disease 1, severe; Polycystic Kidney, Autosomal Dominant; POLYCYSTIC KIDNEY DISEASE, ADULT, TYPE I; POLYCYSTIC KIDNEY DISEASE 1 WITH OR WITHOUT POLYCYSTIC LIVER DISEASE. Identifiers: MedGen C3149841, MONDO:0008263, OMIM 173900.
Polycystic kidney disease. Also called: Polycystic kidney dysplasia; Kidney, Polycystic. Identifiers: MedGen C0022680, MeSH D007690, MONDO:0020642, HP:0000113.

Allele frequency attached by ClinVar (database versions not stated): 1000 Genomes Project 30x 0.00016; TOPMed 0.00020; gnomAD exomes 0.00024.
gnomAD v4.1: 389 of 1,593,812 alleles (0.024%); highest among the groups gnomAD compares: Non-Finnish European, 0.032%; no homozygotes.

Submissions (4):

Women's Health and Genetics/Laboratory Corporation of America, LabCorp
Classification: Uncertain significance. Last evaluated: 2026-04-20. Review status: criteria provided, single submitter. Criteria: LabCorp Variant Classification Summary - May 2015. Collection method: clinical testing. Allele origin: germline.
Comment: Variant summary: PKD1 c.8087T>C (p.Leu2696Pro) results in a non-conservative amino acid change in the encoded protein sequence. Algorithms developed to predict the effect of missense changes on protein structure and function are either unavailable or do not agree on the potential impact of this missense change. The variant allele was found at a frequency of 0.00016 in 170576 control chromosomes (gnomAD). This frequency is not significantly higher than estimated for disease-causing variants in PKD1, allowing no conclusion about variant significance. c.8087T>C has been observed in one individual affected with Autosomal Dominant Polycystic Kidney Disease (Rossetti_2007) without strong evidence for causality. The report does not provide unequivocal conclusions about association of the variant with PKD1-related disorders. To our knowledge, no experimental evidence demonstrating an impact on protein function has been reported. The following publication have been ascertained in the context of this evaluation (PMID: 17582161). ClinVar contains an entry for this variant (Variation ID: 811954). Based on the evidence outlined above, the variant was classified as uncertain significance.

Blueprint Genetics
Classification: Likely benign. Last evaluated: 2024-09-06. Review status: criteria provided, single submitter. Criteria: ACMG Guidelines, 2015. Collection method: clinical testing. Allele origin: germline.

ARUP Laboratories, Molecular Genetics and Genomics, ARUP Laboratories
Classification: Uncertain significance for Polycystic kidney disease, adult type. Last evaluated: 2019-03-22. Review status: criteria provided, single submitter. Criteria: ARUP Molecular Germline Variant Investigation Process. Collection method: clinical testing. Allele origin: germline.
Comment: The PKD1 c.8087T>C; p.Leu2696Pro variant (rs201238819) is reported in the literature in an individual affected with autosomal dominant polycystic kidney disease, but it was not considered to be disease-causing (Rossetti 2007). This variant is found in the non-Finnish European population with an overall allele frequency of 0.04% (33/84186 alleles) in the Genome Aggregation Database. The leucine at codon 2696 is not conserved, and computational analyses (SIFT, PolyPhen-2) predict that this variant is tolerated. However, due to limited information, the clinical significance of the p.Leu2696Pro variant is uncertain at this time. References: Rossetti S et al. Comprehensive molecular diagnostics in autosomal dominant polycystic kidney disease. J Am Soc Nephrol. 2007 Jul;18(7):2143-60.

Department of Pathology and Laboratory Medicine, Sinai Health System
Classification: Uncertain significance for Polycystic Kidney disease. Review status: no assertion criteria provided. Collection method: clinical testing. Allele origin: unknown. Affected: yes. Study: The Canadian Open Genetics Repository (COGR). Not counted in ClinVar's aggregate classification.
Comment: The PKD1 p.Leu2696Pro variant was identified in 1 of 404 proband chromosomes (frequency: 0.002) from individuals or families with ADPKD however this variant was not considered disease causing because of the highly nonconservative nature of this site in orthologs (Rossetti 2007). This variant was also identified in the ADPKD Mutation Database (classified as likely neutral by Athena Diagnostics). The variant was not identified in LOVD 3.0 or PKD1-LOVD databases. The variant was identified in control databases in 25 of 164086 chromosomes at a frequency of 0.0002 increasing the likelihood this could be a low frequency benign variant (Genome Aggregation Database Feb 27, 2017). The variant was observed in the following populations: European Non-Finnish in 25 of 66866 chromosomes (freq: 0.0004), while the variant was not observed in the African, Other, Latino, Ashkenazi Jewish, East Asian, European Finnish, and South Asian populations. In addition we cannot be certain that data from control databases is specific to PKD1 and not from one of the six PKD1 pseudogenes. An alternative substitution at this position resulting in a different amino acid change (c.8087T>G, p.Leu2696Arg) was identified by our laboratory and classified as benign (this is the substitution recorded for this position in dbSNP (rs201238819) and ClinVar). The p.Leu2696 residue is not conserved in mammals and computational analyses (PolyPhen-2, SIFT, AlignGVGD, BLOSUM, MutationTaster) provide inconsistent predictions regarding the impact to the protein; this information is not very predictive of pathogenicity. The variant occurs outside of the splicing consensus sequence and in silico or computational prediction software programs (SpliceSiteFinder, MaxEntScan, NNSPLICE, GeneSplicer) do not predict a difference in splicing. In summary, based on the above information the clinical significance of this variant cannot be determined with certainty at this time. This variant is classified as a variant of uncertain significance.

Literature cited by the submitters: PubMed 17582161 (cited by Women's Health and Genetics/Laboratory Corporation of America, LabCorp).